The following is an entry in ClinVar:

NM_001148.6(ANK2):c.7715A>G (p.Asp2572Gly)

Genes: ANK2 (ankyrin 2; plus strand), LOC126807137 (CDK7 strongly-dependent group 2 enhancer GRCh37_chr4:114276560-114277759; plus strand). Cytogenetic location: 4q26.
Variant type: single nucleotide variant.
Coding change: c.7715A>G on transcript NM_001148.6 (MANE Select); coding-DNA position 7715, A replaced by G.
Protein change: p.Asp2572Gly; replaces aspartic acid 2572 with glycine.
Molecular consequence: missense variant. On other transcripts: intron variant (68).
Genome position (GRCh38, 1-based): chr4:113,356,333, A>G. VCF-style: chr4-113356333-A-G. GRCh37 (hg19) VCF-style: chr4-114277489-A-G.
Other names: c.7481A>G, p.Asp2494Gly (NM_001386142.1); c.4115A>G, p.Asp1372Gly (NM_001386166.1); c.7856A>G, p.Asp2619Gly (NM_001386174.1); c.7832A>G, p.Asp2611Gly (NM_001386175.1); c.4412-4490A>G (NM_001386186.2, NM_001386148.2); c.4214-4490A>G (NM_001354269.3); c.4292-4490A>G (NM_001386187.2); c.4253-4490A>G (NM_001386147.1); and 35 more; short protein forms D1372G, D2494G, D2572G, D2611G, D2619G.
Identifiers: ClinVar variation 3774246 (VCV003774246.2).

ClinVar aggregate classification (germline): Uncertain significance. Review status: criteria provided, multiple submitters, no conflicts (2 of 4 stars). 2 submissions from 2 submitters: Uncertain significance (2). Last evaluated 2025-05-24.

Conditions:
Cardiovascular phenotype. Identifiers: MedGen CN230736.

gnomAD v4.1: 2 of 1,614,160 alleles (0.00012%); highest among the groups gnomAD compares: South Asian, 0.0011%; no homozygotes.

Submissions (2):

Ambry Genetics
Classification: Uncertain significance for Cardiovascular phenotype. Last evaluated: 2025-05-24. Review status: criteria provided, single submitter. Criteria: Ambry Variant Classification Scheme 2023. Collection method: clinical testing. Allele origin: germline.
Comment: The p.D2572G variant (also known as c.7715A>G), located in coding exon 38 of the ANK2 gene, results from an A to G substitution at nucleotide position 7715. The aspartic acid at codon 2572 is replaced by glycine, an amino acid with similar properties. This amino acid position is conserved. In addition, this alteration is predicted to be tolerated by in silico analysis. Based on the available evidence, the clinical significance of this variant remains unclear.

GeneDx
Classification: Uncertain significance. Last evaluated: 2024-09-19. Review status: criteria provided, single submitter. Criteria: GeneDx Variant Classification Process June 2021. Collection method: clinical testing. Allele origin: germline. Affected: yes.
Comment: Not observed at significant frequency in large population cohorts (gnomAD); In silico analysis supports that this missense variant has a deleterious effect on protein structure/function; Has not been previously published as pathogenic or benign to our knowledge